The following is an entry in ClinVar:

NM_004656.4(BAP1):c.382G>A (p.Gly128Arg)

Gene: BAP1 (BRCA1 associated deubiquitinase 1; minus strand). Cytogenetic location: 3p21.1.
Variant type: single nucleotide variant.
Coding change: c.382G>A on transcript NM_004656.4 (MANE Select); coding-DNA position 382, G replaced by A.
Protein change: p.Gly128Arg; replaces glycine 128 with arginine.
Molecular consequence: missense variant.
Genome position (GRCh38, 1-based): chr3:52,407,454, C>T on the plus strand (G>A on the coding strand, the complement: BAP1 is on the minus strand). VCF-style: chr3-52407454-C-T. GRCh37 (hg19) VCF-style: chr3-52441470-C-T.
Other names: c.382G>A, p.Gly128Arg (NM_001410772.1); short protein forms G128R.
Identifiers: ClinVar variation 4075813 (VCV004075813.1).

ClinVar aggregate classification (germline): Pathogenic (1 of 4 stars; one submission).

Conditions:
BAP1-related tumor predisposition syndrome (TPDS1). Also called: Tumor susceptibility linked to germline BAP1 mutations; BAP1 tumor predisposition syndrome; TUMOR PREDISPOSITION SYNDROME 1; COMMON Syndrome. Identifiers: Orphanet 289539, MedGen C3280492, MONDO:0013692, OMIM 614327.

Submission:

Department of Genetics and Molecular Medicine, Landspitali - University Hospital
Classification: Pathogenic for BAP1 tumor predisposition syndrome. Last evaluated: 2025-07-11. Review status: criteria provided, single submitter. Criteria: ACMG Guidelines, 2015. Collection method: clinical testing. Allele origin: inherited. Inheritance: Autosomal dominant inheritance. Affected: yes. Observed: 1 heterozygote.
Comment: The NM_004656.4:c.382G>A, p.(Gly128Arg) variant in BAP1 is located in exon 6 of 17. The variant is absent from gnomAD v4.1.0 (accessed July 11, 2025). In silico tools unanimously predict a deleterious effect. The p.Gly128Arg variant is located in the UCH domain (amino acids 1–240) of the BAP1 protein. The UCH domain is responsible for BAP1’s deubiquitinating activity. This variant substitutes glycine, a hydrophobic residue,for arginine, a large polar charged residue. This would be expected to disrupt the integrity of the UCH domain presumably leading to loss of its function (PMID: 31635116). Saturation genome editing of BAP1 variants classified the p.Gly128Arg variant as functionally depleted, i.e., leading to loss of function (PMID: 38969833). Walpole et al. (2018) identified 36 unique germline BAP1 missense variants in a review of BAP1 variant-carrying families. The authors classified nine of the 36 missense variants as likely pathogenic. All nine variants were in the UCH domain of BAP1, consistent with it being a critical domain (PMID: 30517737). BIMTs and RCC are core tumors of BAP1 tumor predisposition syndrome (BAP1-TPDS; OMIM #614327) (PMID: 30517737). Benign splenic lesions, including splenic hamartoma, have recently emerged as possible BAP1-TPDS-associated tumors (PMID: 38824259). Based on the above evidence, NM_004656.4(BAP1):c.382G>A, p.(Gly128Arg) is classified as pathogenic (ACMG/AMP criteria PS3, PM1, PM2_sup, PP1, PP3, PP4).

Literature cited by the submitters: PubMed 31635116; PubMed 38969833; PubMed 30517737; PubMed 38824259.